The following is an entry in ClinVar:

ClinVar aggregate classification (germline): Uncertain significance. Review status: criteria provided, multiple submitters, no conflicts (2 of 4 stars). 6 submissions from 6 submitters: Uncertain significance (6). Last evaluated 2026-01-19.

Conditions:
Hereditary cancer-predisposing syndrome. Also called: Neoplastic Syndromes, Hereditary; Tumor predisposition; Hereditary neoplastic syndrome; Hereditary Cancer Syndrome. Identifiers: Orphanet 140162, MedGen C0027672, MeSH D009386, MONDO:0015356.
Classic or attenuated familial adenomatous polyposis. Identifiers: MedGen CN372698, MONDO:0021057.
Familial adenomatous polyposis 1 (FAP1). Also called: POLYPOSIS, ADENOMATOUS INTESTINAL; FAMILIAL ADENOMATOUS POLYPOSIS 1, ATTENUATED. Identifiers: MedGen C2713442, MONDO:0021056, OMIM 175100. Disease mechanism: loss of function.

Allele frequency attached by ClinVar (database versions not stated): gnomAD exomes below 0.00001; TOPMed 0.00001.
gnomAD v4.1: 2 of 1,612,768 alleles (0.00012%); highest among the groups gnomAD compares: Non-Finnish European, 0.000085%; no homozygotes.

Submissions (6):

Labcorp Genetics (formerly Invitae), Labcorp
Classification: Uncertain significance for Familial adenomatous polyposis 1. Last evaluated: 2026-01-19. Review status: criteria provided, single submitter. Criteria: Invitae Variant Classification Sherloc (09022015). Collection method: clinical testing. Allele origin: germline.
Comment: This sequence change replaces arginine, which is basic and polar, with glycine, which is neutral and non-polar, at codon 186 of the APC protein (p.Arg186Gly). This variant is not present in population databases (gnomAD no frequency). This variant has not been reported in the literature in individuals affected with APC-related conditions. ClinVar contains an entry for this variant (Variation ID: 825834). Invitae Evidence Modeling of protein sequence and biophysical properties (such as structural, functional, and spatial information, amino acid conservation, physicochemical variation, residue mobility, and thermodynamic stability) indicates that this missense variant is not expected to disrupt APC protein function with a negative predictive value of 95%. In summary, the available evidence is currently insufficient to determine the role of this variant in disease. Therefore, it has been classified as a Variant of Uncertain Significance.

Color Diagnostics, LLC DBA Color Health
Classification: Uncertain significance for Hereditary cancer-predisposing syndrome. Last evaluated: 2025-07-08. Review status: criteria provided, single submitter. Criteria: ACMG Guidelines, 2015. Collection method: clinical testing. Allele origin: germline.
Comment: This missense variant replaces arginine with glycine at codon 186 of the APC protein. Computational prediction suggests that this variant may have deleterious impact on protein structure and function. To our knowledge, functional studies have not been reported for this variant. This variant has not been reported in individuals affected with APC-related disorders in the literature. This variant has not been identified in the general population by the Genome Aggregation Database (gnomAD). The available evidence is insufficient to determine the role of this variant in disease conclusively. Therefore, this variant is classified as a Variant of Uncertain Significance.

Women's Health and Genetics/Laboratory Corporation of America, LabCorp
Classification: Uncertain significance. Last evaluated: 2025-07-01. Review status: criteria provided, single submitter. Criteria: LabCorp Variant Classification Summary - May 2015. Collection method: clinical testing. Allele origin: germline.
Comment: Variant summary: APC c.556A>G (p.Arg186Gly) results in a non-conservative amino acid change in the encoded protein sequence. Algorithms developed to predict the effect of missense changes on protein structure and function all suggest that this variant is likely to be disruptive. The variant was absent in 250612 control chromosomes. The available data on variant occurrences in the general population are insufficient to allow any conclusion about variant significance. To our knowledge, no occurrence of c.556A>G in individuals affected with Colorectal Cancer Risk and no experimental evidence demonstrating its impact on protein function have been reported. ClinVar contains an entry for this variant (Variation ID: 825834). Based on the evidence outlined above, the variant was classified as uncertain significance.

Baylor Genetics
Classification: Uncertain significance for Familial adenomatous polyposis 1. Last evaluated: 2024-03-29. Review status: criteria provided, single submitter. Criteria: ACMG Guidelines, 2015. Collection method: clinical testing. Allele origin: unknown.

Ambry Genetics
Classification: Uncertain significance for Hereditary cancer-predisposing syndrome. Last evaluated: 2024-01-29. Review status: criteria provided, single submitter. Criteria: Ambry Variant Classification Scheme 2023. Collection method: clinical testing. Allele origin: germline.
Comment: The p.R186G variant (also known as c.556A>G), located in coding exon 5 of the APC gene, results from an A to G substitution at nucleotide position 556. The arginine at codon 186 is replaced by glycine, an amino acid with dissimilar properties. This amino acid position is highly conserved in available vertebrate species. In addition, in silico predictors for this gene do not accurately predict pathogenicity. Since supporting evidence is limited at this time, the clinical significance of this alteration remains unclear.

All of Us Research Program, National Institutes of Health
Classification: Uncertain significance for Classic or attenuated familial adenomatous polyposis. Last evaluated: 2023-02-10. Review status: criteria provided, single submitter. Criteria: ACMG Guidelines, 2015. Collection method: clinical testing. Allele origin: germline. Inheritance: Autosomal dominant inheritance. Observed: 1 variant allele, 1 heterozygote.
Comment: This study involves interpretation of variants in research participants for the purpose of population health screening. Participant phenotype was not available at the time of variant classification. Additional details can be found in publication PMID: 35346344, PMCID: PMC8962531

NM_000038.6(APC):c.556A>G (p.Arg186Gly)

Gene: APC (APC regulator of Wnt signaling pathway; plus strand). Cytogenetic location: 5q22.2.
Variant type: single nucleotide variant.
Coding change: c.556A>G on transcript NM_000038.6 (MANE Select); coding-DNA position 556, A replaced by G.
Protein change: p.Arg186Gly; replaces arginine 186 with glycine.
Molecular consequence: missense variant. On other transcripts: 5 prime UTR variant (1).
Genome position (GRCh38, 1-based): chr5:112,780,814, A>G. VCF-style: chr5-112780814-A-G. GRCh37 (hg19) VCF-style: chr5-112116511-A-G.
Other names: c.556A>G, p.Arg186Gly (NM_001127510.3, NM_001354895.2, NM_001354896.2 and 2 more transcripts); c.586A>G, p.Arg196Gly (NM_001127511.3, NM_001354897.2, NM_001354902.2); c.481A>G, p.Arg161Gly (NM_001354898.2, NM_001354904.2); c.379A>G, p.Arg127Gly (NM_001354900.2, NM_001354901.2, NM_001354905.2); c.-480A>G (NM_001354906.2); short protein forms R127G, R186G, R161G, R196G.
Identifiers: ClinVar variation 825834 (VCV000825834.17), dbSNP rs1580379633, ClinGen allele CA16022548.